The following is an entry in ClinVar:

ClinVar aggregate classification (germline): Uncertain significance (1 of 4 stars; one submission).

Allele frequency attached by ClinVar (database versions not stated): gnomAD exomes below 0.00001 and 0.00001; ExAC 0.00001; gnomAD 0.00001; TOPMed 0.00002; ESP Exome Variant Server 0.00008.
gnomAD v4.1: 8 of 1,613,390 alleles (0.0005%); highest among the groups gnomAD compares: Admixed American, 0.0017%; no homozygotes.

Submission:

Labcorp Genetics (formerly Invitae), Labcorp
Classification: Uncertain significance. Last evaluated: 2022-06-13. Review status: criteria provided, single submitter. Criteria: Invitae Variant Classification Sherloc (09022015). Collection method: clinical testing. Allele origin: germline.
Comment: In summary, the available evidence is currently insufficient to determine the role of this variant in disease. Therefore, it has been classified as a Variant of Uncertain Significance. Algorithms developed to predict the effect of missense changes on protein structure and function are either unavailable or do not agree on the potential impact of this missense change (SIFT: "Tolerated"; PolyPhen-2: "Possibly Damaging"; Align-GVGD: "Class C0"). This variant has not been reported in the literature in individuals affected with TUBGCP6-related conditions. This variant is present in population databases (rs376927241, gnomAD 0.003%). This sequence change replaces cysteine, which is neutral and slightly polar, with tyrosine, which is neutral and polar, at codon 102 of the TUBGCP6 protein (p.Cys102Tyr).

NM_020461.4(TUBGCP6):c.305G>A (p.Cys102Tyr)

Gene: TUBGCP6 (tubulin gamma complex component 6; minus strand). Cytogenetic location: 22q13.33.
Variant type: single nucleotide variant.
Coding change: c.305G>A on transcript NM_020461.4 (MANE Select); coding-DNA position 305, G replaced by A.
Protein change: p.Cys102Tyr; replaces cysteine 102 with tyrosine.
Molecular consequence: missense variant.
Genome position (GRCh38, 1-based): chr22:50,244,155, C>T on the plus strand (G>A on the coding strand, the complement: TUBGCP6 is on the minus strand). VCF-style: chr22-50244155-C-T. GRCh37 (hg19) VCF-style: chr22-50682584-C-T.
Other names: short protein forms C102Y.
Identifiers: ClinVar variation 1362225 (VCV001362225.6), dbSNP rs376927241, ClinGen allele CA10309083.